The following is an entry in ClinVar:

NM_000088.4(COL1A1):c.428C>T (p.Pro143Leu)

Gene: COL1A1 (collagen type I alpha 1 chain; minus strand). Cytogenetic location: 17q21.33.
Variant type: single nucleotide variant.
Coding change: c.428C>T on transcript NM_000088.4 (MANE Select); coding-DNA position 428, C replaced by T.
Protein change: p.Pro143Leu; replaces proline 143 with leucine.
Molecular consequence: missense variant.
Genome position (GRCh38, 1-based): chr17:50,199,269, G>A on the plus strand (C>T on the coding strand, the complement: COL1A1 is on the minus strand). VCF-style: chr17-50199269-G-A. GRCh37 (hg19) VCF-style: chr17-48276630-G-A.
Other names: short protein forms P143L.
Identifiers: ClinVar variation 3691832 (VCV003691832.2).
Genomic context (GRCh38, chr17:50,199,269, plus strand): 5'-AAGGCCTCTCCACTTACTCCTCCGAGGCCAGGGGGTCCGGGAGGTCCGGGGGGTCCGGGG[G>A]GTCCGGGAAGTCCAGGCTGTCCAGGGATGCCATCTCGGCCAGGGGGGCCTGCGGGTCCCT-3'
Protein context (NP_000079.2, residues 133-153): GIPGQPGLPG[Pro143Leu]PGPPGPPGPP

ClinVar aggregate classification (germline): Uncertain significance (1 of 4 stars; one submission).

Conditions:
Osteogenesis imperfecta type I (OI1). Also called: OI, TYPE I; OSTEOGENESIS IMPERFECTA TARDA; OSTEOGENESIS IMPERFECTA WITH BLUE SCLERAE; Osteogenesis imperfecta type 1; Lobstein's Disease; Lobstein disease. Identifiers: Orphanet 216796, Orphanet 666, MedGen C0023931, MONDO:0008146, OMIM 166200. Disease mechanism: loss of function.

Submission:

Labcorp Genetics (formerly Invitae), Labcorp
Classification: Uncertain significance for Osteogenesis imperfecta type I. Last evaluated: 2024-06-15. Review status: criteria provided, single submitter. Criteria: Invitae Variant Classification Sherloc (09022015). Collection method: clinical testing. Allele origin: germline.
Comment: This sequence change replaces proline, which is neutral and non-polar, with leucine, which is neutral and non-polar, at codon 143 of the COL1A1 protein (p.Pro143Leu). This variant is present in population databases (no rsID available, gnomAD 0.02%). This variant has not been reported in the literature in individuals affected with COL1A1-related conditions. Advanced modeling of protein sequence and biophysical properties (such as structural, functional, and spatial information, amino acid conservation, physicochemical variation, residue mobility, and thermodynamic stability) has been performed at Invitae for this missense variant, however the output from this modeling did not meet the statistical confidence thresholds required to predict the impact of this variant on COL1A1 protein function. In summary, the available evidence is currently insufficient to determine the role of this variant in disease. Therefore, it has been classified as a Variant of Uncertain Significance.